The following is an entry in ClinVar:

NM_001374736.1(DST):c.16897T>G (p.Ser5633Ala)

Gene: DST (dystonin; minus strand). Cytogenetic location: 6p12.1.
Variant type: single nucleotide variant.
Coding change: c.16897T>G on transcript NM_001374736.1 (MANE Select); coding-DNA position 16897, T replaced by G.
Protein change: p.Ser5633Ala; replaces serine 5633 with alanine.
Molecular consequence: missense variant.
Genome position (GRCh38, 1-based): chr6:56,535,166, A>C on the plus strand (T>G on the coding strand, the complement: DST is on the minus strand). VCF-style: chr6-56535166-A-C. GRCh37 (hg19) VCF-style: chr6-56399964-A-C.
Other names: c.10540T>G, p.Ser3514Ala (NM_001144769.5); c.10126T>G, p.Ser3376Ala (NM_001144770.2); c.16897T>G, p.Ser5633Ala (NM_001374722.1); c.16264T>G, p.Ser5422Ala (NM_001374729.1); c.10006T>G, p.Ser3336Ala (NM_001374730.1, NM_001386100.1, NM_183380.4); c.16924T>G, p.Ser5642Ala (NM_001374734.1); c.9028T>G, p.Ser3010Ala (NM_015548.5); short protein forms S3376A, S5422A, S3336A, S5633A, S3514A, S5642A, S3010A.
Identifiers: ClinVar variation 2101518 (VCV002101518.4), dbSNP rs2534941088, ClinGen allele CA364510720.

ClinVar aggregate classification (germline): Uncertain significance (1 of 4 stars; one submission).

Conditions:
Hereditary sensory and autonomic neuropathy type 6. Also called: HSAN VI; Neuropathy, hereditary sensory and autonomic, type VI. Identifiers: Orphanet 314381, MedGen C3539003, MONDO:0013839, OMIM 614653.
Epidermolysis bullosa simplex 3, localized or generalized intermediate, with BP230 deficiency (EBS3). Also called: Epidermolysis bullosa simplex due to BP230 deficiency; Epidermolysis bullosa simplex, autosomal recessive 2. Identifiers: Orphanet 412181, MedGen C3809470, MONDO:0014180, OMIM 615425.

Submission:

Labcorp Genetics (formerly Invitae), Labcorp
Classification: Uncertain significance for Epidermolysis bullosa simplex 3, localized or generalized intermediate, with BP230 deficiency; Hereditary sensory and autonomic neuropathy type 6. Last evaluated: 2022-02-22. Review status: criteria provided, single submitter. Criteria: Invitae Variant Classification Sherloc (09022015). Collection method: clinical testing. Allele origin: germline.
Comment: In summary, the available evidence is currently insufficient to determine the role of this variant in disease. Therefore, it has been classified as a Variant of Uncertain Significance. Experimental studies and prediction algorithms are not available or were not evaluated, and the functional significance of this variant is currently unknown. This variant has not been reported in the literature in individuals affected with DST-related conditions. This variant is not present in population databases (gnomAD no frequency). This sequence change replaces serine, which is neutral and polar, with alanine, which is neutral and non-polar, at codon 3010 of the DST protein (p.Ser3010Ala). The DST gene has multiple clinically relevant transcripts. This variant occurs in alternate transcript NM_015548.4, and corresponds to NM_001723.5:c.*80351T>G in the primary transcript.